The following is an entry in ClinVar:

NM_005585.5(SMAD6):c.698C>T (p.Pro233Leu)

Gene: SMAD6 (SMAD family member 6; plus strand). Cytogenetic location: 15q22.31.
Variant type: single nucleotide variant.
Coding change: c.698C>T on transcript NM_005585.5 (MANE Select); coding-DNA position 698, C replaced by T.
Protein change: p.Pro233Leu; replaces proline 233 with leucine.
Molecular consequence: missense variant. On other transcripts: non-coding transcript variant (1).
Genome position (GRCh38, 1-based): chr15:66,703,956, C>T. VCF-style: chr15-66703956-C-T. GRCh37 (hg19) VCF-style: chr15-66996294-C-T.
Other names: short protein forms P233L.
Identifiers: ClinVar variation 862481 (VCV000862481.17), dbSNP rs764453720, ClinGen allele CA7626510.

ClinVar aggregate classification (germline): Uncertain significance. Review status: criteria provided, multiple submitters, no conflicts (2 of 4 stars). 3 submissions from 3 submitters: Uncertain significance (3). Last evaluated 2025-10-29.

Conditions:
Inborn genetic diseases. Identifiers: MedGen C0950123, MeSH D030342.
Aortic valve disease 2 (AOVD2). Identifiers: MedGen C3542024, MONDO:0013902, OMIM 614823.

Allele frequency attached by ClinVar (database versions not stated): TOPMed below 0.00001; gnomAD exomes 0.00003; ExAC 0.00011.
gnomAD v4.1: 9 of 1,427,546 alleles (0.00063%); highest among the groups gnomAD compares: South Asian, 0.0014%; no homozygotes.

Submissions (3):

Labcorp Genetics (formerly Invitae), Labcorp
Classification: Uncertain significance for Aortic valve disease 2. Last evaluated: 2025-10-29. Review status: criteria provided, single submitter. Criteria: Invitae Variant Classification Sherloc (09022015). Collection method: clinical testing. Allele origin: germline.
Comment: This sequence change replaces proline, which is neutral and non-polar, with leucine, which is neutral and non-polar, at codon 233 of the SMAD6 protein (p.Pro233Leu). This variant is present in population databases (rs764453720, gnomAD 0.006%). This variant has not been reported in the literature in individuals affected with SMAD6-related conditions. ClinVar contains an entry for this variant (Variation ID: 862481). Invitae Evidence Modeling of protein sequence and biophysical properties (such as structural, functional, and spatial information, amino acid conservation, physicochemical variation, residue mobility, and thermodynamic stability) indicates that this missense variant is not expected to disrupt SMAD6 protein function with a negative predictive value of 80%. In summary, the available evidence is currently insufficient to determine the role of this variant in disease. Therefore, it has been classified as a Variant of Uncertain Significance.

Ambry Genetics
Classification: Uncertain significance for Inborn genetic diseases. Last evaluated: 2025-04-19. Review status: criteria provided, single submitter. Criteria: Ambry Variant Classification Scheme 2023. Collection method: clinical testing. Allele origin: germline.

Revvity Omics, Revvity
Classification: Uncertain significance for Aortic valve disease 2. Last evaluated: 2019-08-29. Review status: criteria provided, single submitter. Criteria: ACMG Guidelines, 2015. Collection method: clinical testing. Allele origin: germline.